The following is an entry in ClinVar:

ClinVar aggregate classification (germline): Uncertain significance (1 of 4 stars; one submission).

gnomAD v4.1: 1 of 1,613,040 alleles (0.000062%); highest among the groups gnomAD compares: Non-Finnish European, 0.000085%; no homozygotes.

Submission:

GeneDx
Classification: Uncertain significance. Last evaluated: 2026-01-26. Review status: criteria provided, single submitter. Criteria: GeneDx Variant Classification Process June 2021. Collection method: clinical testing. Allele origin: germline.
Comment: Not observed at significant frequency in large population cohorts (gnomAD); In silico analysis suggests that this missense variant does not alter protein structure/function; Has not been previously published as pathogenic or benign in association with a CDC42-related disorder to our knowledge; This variant is associated with the following publications: (PMID: 39915000)

NM_001791.4(CDC42):c.80A>G (p.Lys27Arg)

Gene: CDC42 (cell division cycle 42; plus strand). Cytogenetic location: 1p36.12.
Variant type: single nucleotide variant.
Coding change: c.80A>G on transcript NM_001791.4 (MANE Select); coding-DNA position 80, A replaced by G.
Protein change: p.Lys27Arg; replaces lysine 27 with arginine.
Molecular consequence: missense variant.
Genome position (GRCh38, 1-based): chr1:22,078,558, A>G. VCF-style: chr1-22078558-A-G. GRCh37 (hg19) VCF-style: chr1-22405051-A-G.
Other names: c.80A>G, p.Lys27Arg (NM_001039802.2, NM_044472.3); short protein forms K27R.
Identifiers: ClinVar variation 4975310 (VCV004975310.1).
Genomic context (GRCh38, chr1:22,078,558, plus strand): 5'-TTGTTGTGGGCGATGGTGCTGTTGGTAAAACATGTCTCCTGATATCCTACACAACAAACA[A>G]ATTTCCATCGGAATATGTACCGACTGTAAGTATAAAGGCTTCCTTCTGTTAGTAAAATGT-3'
Protein context (NP_001782.1, residues 17-37): TCLLISYTTN[Lys27Arg]FPSEYVPTVF